The following is an entry in ClinVar:

NM_001042545.2(LTBP4):c.1388G>A (p.Ser463Asn)

Gene: LTBP4 (latent transforming growth factor beta binding protein 4; plus strand). Cytogenetic location: 19q13.2.
Variant type: single nucleotide variant.
Coding change: c.1388G>A on transcript NM_001042545.2 (MANE Select); coding-DNA position 1388, G replaced by A.
Protein change: p.Ser463Asn; replaces serine 463 with asparagine.
Molecular consequence: missense variant.
Genome position (GRCh38, 1-based): chr19:40,608,565, G>A. VCF-style: chr19-40608565-G-A. GRCh37 (hg19) VCF-style: chr19-41114471-G-A.
Other names: c.1589G>A, p.Ser530Asn (NM_001042544.1); c.1478G>A, p.Ser493Asn (NM_003573.2); short protein forms S463N, S493N, S530N.
Identifiers: ClinVar variation 2272492 (VCV002272492.3), dbSNP rs373632331, ClinGen allele CA308449844.

ClinVar aggregate classification (germline): Uncertain significance. Review status: criteria provided, multiple submitters, no conflicts (2 of 4 stars). 2 submissions from 2 submitters: Uncertain significance (2). Last evaluated 2025-05-13.

Conditions:
Inborn genetic diseases. Identifiers: MedGen C0950123, MeSH D030342.

gnomAD v4.1: 7 of 1,602,800 alleles (0.00044%); no homozygotes.

Submissions (2):

GeneDx
Classification: Uncertain significance. Last evaluated: 2025-05-13. Review status: criteria provided, single submitter. Criteria: GeneDx Variant Classification Process June 2021. Collection method: clinical testing. Allele origin: germline. Affected: yes.
Comment: Not observed at significant frequency in large population cohorts (gnomAD); In silico analysis suggests that this missense variant does not alter protein structure/function; Has not been previously published as pathogenic or benign to our knowledge

Ambry Genetics
Classification: Uncertain significance for Inborn genetic diseases. Last evaluated: 2024-02-05. Review status: criteria provided, single submitter. Criteria: Ambry Variant Classification Scheme 2023. Collection method: clinical testing. Allele origin: germline.